The following is an entry in ClinVar:

NM_000878.5(IL2RB):c.7G>A (p.Ala3Thr)

Gene: IL2RB (interleukin 2 receptor subunit beta; minus strand). Cytogenetic location: 22q12.3.
Variant type: single nucleotide variant.
Coding change: c.7G>A on transcript NM_000878.5 (MANE Select); coding-DNA position 7, G replaced by A.
Protein change: p.Ala3Thr; replaces alanine 3 with threonine.
Molecular consequence: missense variant.
Genome position (GRCh38, 1-based): chr22:37,144,166, C>T on the plus strand (G>A on the coding strand, the complement: IL2RB is on the minus strand). VCF-style: chr22-37144166-C-T. GRCh37 (hg19) VCF-style: chr22-37540206-C-T.
Other names: c.7G>A, p.Ala3Thr (NM_001346222.1, NM_001346223.2); short protein forms A3T.
Identifiers: ClinVar variation 4772977 (VCV004772977.1).

ClinVar aggregate classification (germline): Uncertain significance (1 of 4 stars; one submission).

gnomAD v4.1: 5 of 1,551,044 alleles (0.00032%); highest among the groups gnomAD compares: Non-Finnish European, 0.00044%; no homozygotes.

Submission:

Labcorp Genetics (formerly Invitae), Labcorp
Classification: Uncertain significance. Last evaluated: 2025-09-17. Review status: criteria provided, single submitter. Criteria: Invitae Variant Classification Sherloc (09022015). Collection method: clinical testing. Allele origin: germline.
Comment: This sequence change replaces alanine, which is neutral and non-polar, with threonine, which is neutral and polar, at codon 3 of the IL2RB protein (p.Ala3Thr). This variant is not present in population databases (gnomAD no frequency). This variant has not been reported in the literature in individuals affected with IL2RB-related conditions. An algorithm developed to predict the effect of missense changes on protein structure and function outputs the following: PolyPhen-2: "Benign". The threonine amino acid residue is found in multiple mammalian species, which suggests that this missense change does not adversely affect protein function. In summary, the available evidence is currently insufficient to determine the role of this variant in disease. Therefore, it has been classified as a Variant of Uncertain Significance.